The following is an entry in ClinVar:

NM_005562.3(LAMC2):c.795T>C (p.Tyr265=)

Gene: LAMC2 (laminin subunit gamma 2; plus strand). Cytogenetic location: 1q25.3.
Variant type: single nucleotide variant.
Coding change: c.795T>C on transcript NM_005562.3 (MANE Select); coding-DNA position 795, T replaced by C.
Protein change: p.Tyr265=; no amino-acid change (tyrosine 265 retained).
Molecular consequence: synonymous variant.
Genome position (GRCh38, 1-based): chr1:183,223,166, T>C. VCF-style: chr1-183223166-T-C. GRCh37 (hg19) VCF-style: chr1-183192301-T-C.
Other names: c.795T>C, p.Tyr265= (NM_018891.3).
Identifiers: ClinVar variation 877001 (VCV000877001.37), dbSNP rs201246173, ClinGen allele CA1282439.

ClinVar aggregate classification (germline): Conflicting classifications of pathogenicity. Review status: criteria provided, conflicting classifications (1 of 4 stars). 4 submissions from 4 submitters: Uncertain significance (1); Benign (1); Likely benign (2). Last evaluated 2026-01-13.

Conditions:
Junctional epidermolysis bullosa. Identifiers: Orphanet 305, MedGen C0079301, MONDO:0017612.

Allele frequency attached by ClinVar (database versions not stated): ESP Exome Variant Server 0.00008; gnomAD 0.00010 and 0.00011; gnomAD exomes 0.00012 and 0.00006; ExAC 0.00006; TOPMed 0.00007.
gnomAD v4.1: 105 of 1,614,198 alleles (0.0065%); highest among the groups gnomAD compares: Middle Eastern, 0.05%; no homozygotes.

Submissions (4):

Labcorp Genetics (formerly Invitae), Labcorp
Classification: Benign. Last evaluated: 2026-01-13. Review status: criteria provided, single submitter. Criteria: Invitae Variant Classification Sherloc (09022015). Collection method: clinical testing. Allele origin: germline.

CeGaT Center for Human Genetics Tuebingen
Classification: Likely benign. Last evaluated: 2022-11-01. Review status: criteria provided, single submitter. Criteria: CeGaT Center For Human Genetics Tuebingen Variant Classification Criteria Version 2. Collection method: clinical testing. Allele origin: germline. Affected: yes. Observed: 1 variant allele.
Comment: LAMC2: BP4, BP7

Blueprint Genetics
Classification: Likely benign. Last evaluated: 2019-08-14. Review status: criteria provided, single submitter. Criteria: ACMG Guidelines, 2015. Collection method: clinical testing. Allele origin: germline.

Illumina Laboratory Services, Illumina
Classification: Uncertain significance for Junctional epidermolysis bullosa. Last evaluated: 2018-01-13. Review status: criteria provided, single submitter. Criteria: ICSL Variant Classification Criteria 13 December 2019. Collection method: clinical testing. Allele origin: germline.